The following is an entry in ClinVar:

ClinVar aggregate classification (germline): Uncertain significance (1 of 4 stars; one submission).

Allele frequency attached by ClinVar (database versions not stated): TOPMed 0.00001.
gnomAD v4.1: 2 of 1,603,000 alleles (0.00012%); highest among the groups gnomAD compares: Admixed American, 0.0033%; no homozygotes.

Submission:

Labcorp Genetics (formerly Invitae), Labcorp
Classification: Uncertain significance. Last evaluated: 2025-09-15. Review status: criteria provided, single submitter. Criteria: Invitae Variant Classification Sherloc (09022015). Collection method: clinical testing. Allele origin: germline.
Comment: This sequence change replaces leucine, which is neutral and non-polar, with valine, which is neutral and non-polar, at codon 381 of the POLE2 protein (p.Leu381Val). This variant is not present in population databases (gnomAD no frequency). This variant has not been reported in the literature in individuals affected with POLE2-related conditions. ClinVar contains an entry for this variant (Variation ID: 3020610). An algorithm developed to predict the effect of missense changes on protein structure and function (PolyPhen-2) suggests that this variant is likely to be tolerated. In summary, the available evidence is currently insufficient to determine the role of this variant in disease. Therefore, it has been classified as a Variant of Uncertain Significance.

NM_002692.4(POLE2):c.1141C>G (p.Leu381Val)

Gene: POLE2 (DNA polymerase epsilon 2, accessory subunit; minus strand). Cytogenetic location: 14q21.3.
Variant type: single nucleotide variant.
Coding change: c.1141C>G on transcript NM_002692.4 (MANE Select); coding-DNA position 1141, C replaced by G.
Protein change: p.Leu381Val; replaces leucine 381 with valine.
Molecular consequence: missense variant.
Genome position (GRCh38, 1-based): chr14:49,654,060, G>C on the plus strand (C>G on the coding strand, the complement: POLE2 is on the minus strand). VCF-style: chr14-49654060-G-C. GRCh37 (hg19) VCF-style: chr14-50120778-G-C.
Other names: c.1063C>G, p.Leu355Val (NM_001197330.2); c.1141C>G, p.Leu381Val (NM_001197331.3); c.1138C>G, p.Leu380Val (NM_001348384.2); c.910C>G, p.Leu304Val (NM_001348385.2); short protein forms L355V, L380V, L381V, L304V.
Identifiers: ClinVar variation 3020610 (VCV003020610.3), dbSNP rs754195790, ClinGen allele CA389600420.